The following is an entry in ClinVar:

NM_024741.3(ZNF408):c.653-1G>A

Gene: ZNF408 (zinc finger protein 408; plus strand). Cytogenetic location: 11p11.2.
Variant type: single nucleotide variant.
Coding change: c.653-1G>A on transcript NM_024741.3 (MANE Select); the canonical splice acceptor site of the intron before coding-DNA position 653, G replaced by A.
Molecular consequence: splice acceptor variant.
Genome position (GRCh38, 1-based): chr11:46,704,352, G>A. VCF-style: chr11-46704352-G-A. GRCh37 (hg19) VCF-style: chr11-46725902-G-A.
Other names: c.629-1G>A (NM_001184751.2).
Identifiers: ClinVar variation 3654268 (VCV003654268.2).

ClinVar aggregate classification (germline): Likely pathogenic (1 of 4 stars; one submission).

Submission:

Labcorp Genetics (formerly Invitae), Labcorp
Classification: Likely pathogenic. Last evaluated: 2024-05-26. Review status: criteria provided, single submitter. Criteria: Invitae Variant Classification Sherloc (09022015). Collection method: clinical testing. Allele origin: germline.
Comment: This sequence change falls in intron 4 of the ZNF408 gene. It does not directly change the encoded amino acid sequence of the ZNF408 protein. It affects a nucleotide within the consensus splice site. This variant is not present in population databases (gnomAD no frequency). Disruption of this splice site has been observed in individual(s) with autosomal recessive retinitis pigmentosa (PMID: 28095122). It has also been observed to segregate with disease in related individuals. Variants that disrupt the consensus splice site are a relatively common cause of aberrant splicing (PMID: 17576681, 9536098). Algorithms developed to predict the effect of sequence changes on RNA splicing suggest that this variant may disrupt the consensus splice site. In summary, the currently available evidence indicates that the variant is pathogenic, but additional data are needed to prove that conclusively. Therefore, this variant has been classified as Likely Pathogenic.

Literature cited by the submitters: PubMed 28095122; PubMed 17576681; PubMed 9536098.